The following is an entry in ClinVar:

NM_001849.4(COL6A2):c.2938G>A (p.Val980Met)

Gene: COL6A2 (collagen type VI alpha 2 chain; plus strand). Cytogenetic location: 21q22.3.
Variant type: single nucleotide variant.
Coding change: c.2938G>A on transcript NM_001849.4 (MANE Select); coding-DNA position 2938, G replaced by A.
Protein change: p.Val980Met; replaces valine 980 with methionine.
Molecular consequence: missense variant.
Genome position (GRCh38, 1-based): chr21:46,132,430, G>A. VCF-style: chr21-46132430-G-A. GRCh37 (hg19) VCF-style: chr21-47552344-G-A.
Other names: short protein forms V980M.
Identifiers: ClinVar variation 640959 (VCV000640959.14), dbSNP rs140020002, ClinGen allele CA10073107.
Genomic context (GRCh38, chr21:46,132,430, plus strand): 5'-TCGGCGCACTCCATGCGCAAGCAGAACGTGGTACCCACCGTGCTGGCCTTGGGCAGCGAC[G>A]TGGACATGGACGTGCTCACCACGCTCAGCCTGGGTGACCGCGCCGCCGTGTTCCACGAGA-3'
Protein context (NP_001840.3, residues 970-990): VPTVLALGSD[Val980Met]DMDVLTTLSL

ClinVar aggregate classification (germline): Conflicting classifications of pathogenicity. Review status: criteria provided, conflicting classifications (1 of 4 stars). 3 submissions from 3 submitters: Uncertain significance (2); Likely benign (1). Last evaluated 2025-02-21.

Conditions:
Bethlem myopathy 1A. Also called: Bethlem Muscular Dystrophy; Bethlem myopathy 1; MYOPATHY, BENIGN CONGENITAL, WITH CONTRACTURES. Identifiers: Orphanet 610, MedGen CN029274, MONDO:0024530, OMIM 158810.

Allele frequency attached by ClinVar (database versions not stated): gnomAD exomes 0.00003 and 0.00007; TOPMed 0.00007; ExAC 0.00008; gnomAD 0.00008 and 0.00009; ESP Exome Variant Server 0.00015.
gnomAD v4.1: 59 of 1,607,006 alleles (0.0037%); highest among the groups gnomAD compares: African/African-American, 0.021%; 1 homozygote.

Submissions (3):

GeneDx
Classification: Uncertain significance. Last evaluated: 2025-02-21. Review status: criteria provided, single submitter. Criteria: GeneDx Variant Classification Process June 2021. Collection method: clinical testing. Allele origin: germline. Affected: yes.
Comment: In silico analysis indicates that this missense variant does not alter protein structure/function; Has not been previously published as pathogenic or benign to our knowledge

Labcorp Genetics (formerly Invitae), Labcorp
Classification: Likely benign for Bethlem myopathy 1A. Last evaluated: 2023-11-19. Review status: criteria provided, single submitter. Criteria: Invitae Variant Classification Sherloc (09022015). Collection method: clinical testing. Allele origin: germline.

Revvity Omics, Revvity
Classification: Uncertain significance. Last evaluated: 2020-10-07. Review status: criteria provided, single submitter. Criteria: ACMG Guidelines, 2015. Collection method: clinical testing. Allele origin: germline.